The following is an entry in ClinVar:

NM_001199138.2(NLRC4):c.608T>A (p.Leu203His)

Gene: NLRC4 (NLR family CARD domain containing 4; minus strand). Cytogenetic location: 2p22.3.
Variant type: single nucleotide variant.
Coding change: c.608T>A on transcript NM_001199138.2 (MANE Select); coding-DNA position 608, T replaced by A.
Protein change: p.Leu203His; replaces leucine 203 with histidine.
Molecular consequence: missense variant. On other transcripts: intron variant (1).
Genome position (GRCh38, 1-based): chr2:32,251,256, A>T on the plus strand (T>A on the coding strand, the complement: NLRC4 is on the minus strand). VCF-style: chr2-32251256-A-T. GRCh37 (hg19) VCF-style: chr2-32476325-A-T.
Other names: c.608T>A, p.Leu203His (NM_001199139.2, NM_021209.5); c.262+1163T>A (NM_001302504.1); short protein forms L203H.
Identifiers: ClinVar variation 2948249 (VCV002948249.3), dbSNP rs2466763231, ClinGen allele CA346514784.
Genomic context (GRCh38, chr2:32,251,256, plus strand): 5'-ATATCCAGGAGTTGATCACAGAGGGTTTCAAAAAGTCCACCCTGGGCCCTGCTGAGACGG[A>T]GGAAGAAGACGAATTTGAACTTGGTCAGAGCCTTGCACTTTCCGGAGCCCCAGAGCATGG-3'
Protein context (NP_001186067.1, residues 193-213): ALTKFKFVFF[Leu203His]RLSRAQGGLF

ClinVar aggregate classification (germline): Uncertain significance (1 of 4 stars; one submission).

Conditions:
Periodic fever-infantile enterocolitis-autoinflammatory syndrome. Also called: Autoinflammation with infantile enterocolitis. Identifiers: Orphanet 436166, MedGen C4015067, MONDO:0014472, OMIM 616050.
Familial cold autoinflammatory syndrome 4 (FCAS4). Identifiers: Orphanet 47045, Orphanet 576349, MedGen C4015276, MONDO:0014498, OMIM 616115.

Submission:

Labcorp Genetics (formerly Invitae), Labcorp
Classification: Uncertain significance for Periodic fever-infantile enterocolitis-autoinflammatory syndrome; Familial cold autoinflammatory syndrome 4. Last evaluated: 2023-05-26. Review status: criteria provided, single submitter. Criteria: Invitae Variant Classification Sherloc (09022015). Collection method: clinical testing. Allele origin: germline.
Comment: This variant has not been reported in the literature in individuals affected with NLRC4-related conditions. Advanced modeling of protein sequence and biophysical properties (such as structural, functional, and spatial information, amino acid conservation, physicochemical variation, residue mobility, and thermodynamic stability) performed at Invitae indicates that this missense variant is not expected to disrupt NLRC4 protein function. In summary, the available evidence is currently insufficient to determine the role of this variant in disease. Therefore, it has been classified as a Variant of Uncertain Significance. This variant is not present in population databases (gnomAD no frequency). This sequence change replaces leucine, which is neutral and non-polar, with histidine, which is basic and polar, at codon 203 of the NLRC4 protein (p.Leu203His).